The following is an entry in ClinVar:

NM_000030.3(AGXT):c.1065G>A (p.Thr355=)

Gene: AGXT (alanine--glyoxylate aminotransferase; plus strand). Cytogenetic location: 2q37.3.
Variant type: single nucleotide variant.
Coding change: c.1065G>A on transcript NM_000030.3 (MANE Select); coding-DNA position 1065, G replaced by A.
Protein change: p.Thr355=; no amino-acid change (threonine 355 retained).
Molecular consequence: synonymous variant.
Genome position (GRCh38, 1-based): chr2:240,878,144, G>A. VCF-style: chr2-240878144-G-A. GRCh37 (hg19) VCF-style: chr2-241817561-G-A.
Other names: c.1065G>A (NM_000030.2).
Identifiers: ClinVar variation 1448578 (VCV001448578.11), dbSNP rs143488099, ClinGen allele CA2209392.

ClinVar aggregate classification (germline): Conflicting classifications of pathogenicity. Review status: criteria provided, conflicting classifications (1 of 4 stars). 3 submissions from 3 submitters: Uncertain significance (1); Likely benign (1). 1 of the submissions does not count toward it. Last evaluated 2026-01-13.

Conditions:
AGXT-related disorder. Also called: AGXT-related condition.
Primary hyperoxaluria, type I (HP1). Also called: OXALOSIS I; Primary hyperoxaluria type 1; GLYCOLIC ACIDURIA; HEPATIC AGT DEFICIENCY. Identifiers: Orphanet 416, Orphanet 93598, MedGen C0268164, MONDO:0009823, OMIM 259900. Disease mechanism: loss of function.

gnomAD v4.1: 23 of 1,612,822 alleles (0.0014%); highest among the groups gnomAD compares: East Asian, 0.02%; no homozygotes.

Submissions (3):

Labcorp Genetics (formerly Invitae), Labcorp
Classification: Likely benign. Last evaluated: 2026-01-13. Review status: criteria provided, single submitter. Criteria: Invitae Variant Classification Sherloc (09022015). Collection method: clinical testing. Allele origin: germline.

Fulgent Genetics
Classification: Uncertain significance for Primary hyperoxaluria, type I. Last evaluated: 2022-05-18. Review status: criteria provided, single submitter. Criteria: ACMG Guidelines, 2015. Collection method: clinical testing. Allele origin: unknown.

PreventionGenetics, part of Exact Sciences
Classification: Uncertain significance for AGXT-related condition. Last evaluated: 2023-11-09. Review status: no assertion criteria provided. Collection method: clinical testing. Allele origin: germline. Not counted in ClinVar's aggregate classification.
Comment: The AGXT c.1065G>A variant is not predicted to result in an amino acid change (p.=). This variant is predicted to alter splicing based on available splicing prediction software (Alamut Visual v1.6.1). However, the use of computer prediction softwares is not equivalent to functional evidence. To our knowledge, this variant has not been reported in the literature. This variant is reported in 0.038% of alleles in individuals of East Asian descent in gnomAD. In ClinVar database is this variant assessed as variant of uncertain significance and likely benign. Although we suspect that this variant may be benign, at this time, the clinical significance of this variant is uncertain due to the absence of conclusive functional and genetic evidence.